The following is an entry in ClinVar:

ClinVar aggregate classification (germline): Uncertain significance. Review status: criteria provided, multiple submitters, no conflicts (2 of 4 stars). 2 submissions from 2 submitters: Uncertain significance (2). Last evaluated 2023-08-14.

Conditions:
Epilepsy, progressive myoclonic, 1B. Also called: PME. Identifiers: Orphanet 308, MedGen C2676254, MONDO:0012904, OMIM 612437.

gnomAD v4.1: 12 of 1,613,956 alleles (0.00074%); highest among the groups gnomAD compares: African/African-American, 0.0067%; no homozygotes.

Submissions (2):

Labcorp Genetics (formerly Invitae), Labcorp
Classification: Uncertain significance for Epilepsy, progressive myoclonic, 1B. Last evaluated: 2023-08-14. Review status: criteria provided, single submitter. Criteria: Invitae Variant Classification Sherloc (09022015). Collection method: clinical testing. Allele origin: germline.
Comment: ClinVar contains an entry for this variant (Variation ID: 1213808). In summary, the available evidence is currently insufficient to determine the role of this variant in disease. Therefore, it has been classified as a Variant of Uncertain Significance. Advanced modeling of protein sequence and biophysical properties (such as structural, functional, and spatial information, amino acid conservation, physicochemical variation, residue mobility, and thermodynamic stability) performed at Invitae indicates that this missense variant is not expected to disrupt PRICKLE1 protein function. This variant has not been reported in the literature in individuals affected with PRICKLE1-related conditions. This variant is not present in population databases (gnomAD no frequency). This sequence change replaces arginine, which is basic and polar, with histidine, which is basic and polar, at codon 674 of the PRICKLE1 protein (p.Arg674His).

New York Genome Center
Classification: Uncertain significance for Epilepsy, progressive myoclonic, 1B. Last evaluated: 2020-09-09. Review status: criteria provided, single submitter. Criteria: NYGC Assertion Criteria 2020. Collection method: clinical testing. Allele origin: inherited. Observed: 1 heterozygote. Study: CSER-NYCKidSeq.

NM_153026.3(PRICKLE1):c.2021G>A (p.Arg674His)

Gene: PRICKLE1 (prickle planar cell polarity protein 1; minus strand). Cytogenetic location: 12q12.
Variant type: single nucleotide variant.
Coding change: c.2021G>A on transcript NM_153026.3 (MANE Select); coding-DNA position 2021, G replaced by A.
Protein change: p.Arg674His; replaces arginine 674 with histidine.
Molecular consequence: missense variant.
Genome position (GRCh38, 1-based): chr12:42,460,284, C>T on the plus strand (G>A on the coding strand, the complement: PRICKLE1 is on the minus strand). VCF-style: chr12-42460284-C-T. GRCh37 (hg19) VCF-style: chr12-42854086-C-T.
Other names: c.2021G>A, p.Arg674His (NM_001144883.2, NM_001144881.2, NM_001144882.2); short protein forms R674H.
Identifiers: ClinVar variation 1213808 (VCV001213808.3), dbSNP rs748173327, ClinGen allele CA235488563.